The following is an entry in ClinVar:

NM_001379081.2(FREM1):c.3404T>C (p.Ile1135Thr)

Gene: FREM1 (FRAS1 related extracellular matrix 1; minus strand). Cytogenetic location: 9p22.3.
Variant type: single nucleotide variant.
Coding change: c.3404T>C on transcript NM_001379081.2 (MANE Select); coding-DNA position 3404, T replaced by C.
Protein change: p.Ile1135Thr; replaces isoleucine 1135 with threonine.
Molecular consequence: missense variant. On other transcripts: non-coding transcript variant (2).
Genome position (GRCh38, 1-based): chr9:14,805,023, A>G on the plus strand (T>C on the coding strand, the complement: FREM1 is on the minus strand). VCF-style: chr9-14805023-A-G. GRCh37 (hg19) VCF-style: chr9-14805021-A-G.
Other names: c.3404T>C, p.Ile1135Thr (NM_144966.7); short protein forms I1135T.
Identifiers: ClinVar variation 914723 (VCV000914723.7), dbSNP rs187388944, ClinGen allele CA4990571.
Genomic context (GRCh38, chr9:14,805,023, plus strand): 5'-TTCTGCACTACAAAGTCAGGAGCTTCATCATTTGTGGGGTTGATTATAATAGAAAATGGT[A>G]TCTCCAAGGAGTGATGCTTCCCATCTGTGACGTACACCGTGAACTGGTCGGCAGTTGGTT-3'
Protein context (NP_001366010.1, residues 1125-1145): VTDGKHHSLE[Ile1135Thr]PFSIIINPTN

ClinVar aggregate classification (germline): Likely benign. Review status: criteria provided, multiple submitters, no conflicts (2 of 4 stars). 2 submissions from 2 submitters: Likely benign (2). Last evaluated 2026-01-12.

Conditions:
Oculotrichoanal syndrome (MOTA). Also called: Manitoba Oculotrichoanal (MOTA) Syndrome; MARLES SYNDROME. Identifiers: Orphanet 2717, MedGen C1855425, MONDO:0009560, OMIM 248450.

Allele frequency attached by ClinVar (database versions not stated): TOPMed 0.00009; gnomAD exomes 0.00012 and 0.00037; gnomAD 0.00016 and 0.00018; ExAC 0.00038; 1000 Genomes Project 30x 0.00094; 1000 Genomes Project 0.00100.
gnomAD v4.1: 200 of 1,613,856 alleles (0.012%); highest among the groups gnomAD compares: East Asian, 0.29%; no homozygotes.

Submissions (2):

Labcorp Genetics (formerly Invitae), Labcorp
Classification: Likely benign. Last evaluated: 2026-01-12. Review status: criteria provided, single submitter. Criteria: Invitae Variant Classification Sherloc (09022015). Collection method: clinical testing. Allele origin: germline.

Illumina Laboratory Services, Illumina
Classification: Likely benign for Oculotrichoanal syndrome. Last evaluated: 2018-01-12. Review status: criteria provided, single submitter. Criteria: ICSL Variant Classification Criteria 13 December 2019. Collection method: clinical testing. Allele origin: germline.
Comment: This variant was observed in the ICSL laboratory as part of a predisposition screen in an ostensibly healthy population. It had not been previously curated by ICSL or reported in the Human Gene Mutation Database (HGMD: prior to June 1st, 2018), and was therefore a candidate for classification through an automated scoring system. Utilizing variant allele frequency, disease prevalence and penetrance estimates, and inheritance mode, an automated score was calculated to assess if this variant is too frequent to cause the disease. Based on the score and internal cut-off values, a variant classified as likely benign is not then subjected to further curation. The score for this variant resulted in a classification of likely benign for this disease.